The following is an entry in ClinVar:

ClinVar aggregate classification (germline): Benign/Likely benign. Review status: criteria provided, multiple submitters, no conflicts (2 of 4 stars). 3 submissions from 3 submitters: Benign (1); Likely benign (2). Last evaluated 2025-04-01.

Conditions:
Fanconi anemia (FA). Also called: Fanconi's anemia. Identifiers: Orphanet 84, MedGen C0015625, MeSH D005199, MONDO:0019391.
Fanconi anemia complementation group L (FANCL). Also called: FANCL-Related Fanconi Anemia. Identifiers: Orphanet 84, MedGen C3469528, MONDO:0013566, OMIM 614083.

Allele frequency attached by ClinVar (database versions not stated): ExAC 0.00001; gnomAD 0.00002 and 0.00003; gnomAD exomes 0.00002; TOPMed 0.00002.

Submissions (3):

CeGaT Center for Human Genetics Tuebingen
Classification: Likely benign. Last evaluated: 2025-04-01. Review status: criteria provided, single submitter. Criteria: CeGaT Center For Human Genetics Tuebingen Variant Classification Criteria Version 2. Collection method: clinical testing. Allele origin: germline. Affected: yes. Observed: 1 variant allele.
Comment: FANCL: BP4, BP7

Labcorp Genetics (formerly Invitae), Labcorp
Classification: Likely benign for Fanconi anemia. Last evaluated: 2024-08-22. Review status: criteria provided, single submitter. Criteria: Invitae Variant Classification Sherloc (09022015). Collection method: clinical testing. Allele origin: germline.

ARUP Laboratories, Molecular Genetics and Genomics, ARUP Laboratories
Classification: Benign for Fanconi anemia complementation group L. Last evaluated: 2024-03-20. Review status: criteria provided, single submitter. Criteria: ARUP Molecular Germline Variant Investigation Process 2024. Collection method: clinical testing. Allele origin: germline.

NM_018062.4(FANCL):c.374+13T>C

Gene: FANCL (FA complementation group L; minus strand). Cytogenetic location: 2p16.1.
Variant type: single nucleotide variant.
Coding change: c.374+13T>C on transcript NM_018062.4 (MANE Select); 13 bases into the intron after coding-DNA position 374, T replaced by C.
Molecular consequence: intron variant.
Genome position (GRCh38, 1-based): chr2:58,221,929, A>G on the plus strand (T>C on the coding strand, the complement: FANCL is on the minus strand). VCF-style: chr2-58221929-A-G. GRCh37 (hg19) VCF-style: chr2-58449064-A-G.
Other names: c.374+13T>C (NM_001374615.1, NM_001114636.2, NM_001410792.1).
Identifiers: ClinVar variation 1544022 (VCV001544022.16), dbSNP rs776463455, ClinGen allele CA1670673.